The following is an entry in ClinVar:

NM_019066.5(MAGEL2):c.2249T>A (p.Met750Lys)

Gene: MAGEL2 (MAGE family member L2; minus strand). Cytogenetic location: 15q11.2.
Variant type: single nucleotide variant.
Coding change: c.2249T>A on transcript NM_019066.5 (MANE Select); coding-DNA position 2249, T replaced by A.
Protein change: p.Met750Lys; replaces methionine 750 with lysine.
Molecular consequence: missense variant.
Genome position (GRCh38, 1-based): chr15:23,645,494, A>T on the plus strand (T>A on the coding strand, the complement: MAGEL2 is on the minus strand). VCF-style: chr15-23645494-A-T. GRCh37 (hg19) VCF-style: chr15-23890641-A-T.
Other names: c.2249T>A (NM_019066.4); short protein forms M750K.
Identifiers: ClinVar variation 4923504 (VCV004923504.2).
Genomic context (GRCh38, chr15:23,645,494, plus strand): 5'-GGCAGGTGTGCTCGCGCAGCTGACACTGCCTTGGGAGCACAGAAGGTGGCAGCAAAGATC[A>T]TGCGGTCTTTTGAAGGGGCCCTGCGCTCCTTCGAGGAGGTCCTGCGCTCTTTAGAGGAGC-3'
Protein context (NP_061939.3, residues 740-760): KERRAPSKDR[Met750Lys]IFAATFCAPK

ClinVar aggregate classification (germline): Uncertain significance. Review status: criteria provided, multiple submitters, no conflicts (2 of 4 stars). 2 submissions from 2 submitters: Uncertain significance (2). Last evaluated 2025-01-02.

Conditions:
MAGEL2-related disorder. Also called: MAGEL2-related condition.

Submissions (2):

PreventionGenetics, part of Exact Sciences
Classification: Uncertain significance for MAGEL2-related condition. Last evaluated: 2025-01-02. Review status: criteria provided, single submitter. Criteria: ACMG Guidelines, 2015. Collection method: clinical testing. Allele origin: germline.
Comment: The MAGEL2 c.2249T>A variant is predicted to result in the amino acid substitution p.Met750Lys. To our knowledge, this variant has not been reported in the literature or in a large population database (gnomAD), indicating this variant is rare. At this time, the clinical significance of this variant is uncertain due to the absence of conclusive functional and genetic evidence.

Blueprint Genetics
Classification: Uncertain significance. Last evaluated: 2020-08-13. Review status: criteria provided, single submitter. Criteria: ACMG Guidelines, 2015. Collection method: clinical testing. Allele origin: germline.